The following is an entry in ClinVar:

NM_005589.4(ALDH6A1):c.*2491G>T

Genes: ALDH6A1 (aldehyde dehydrogenase 6 family member A1; minus strand), BBOF1 (basal body orientation factor 1; plus strand). Cytogenetic location: 14q24.3.
Variant type: single nucleotide variant.
Coding change: c.*2491G>T on transcript NM_005589.4 (MANE Select); 2491 bases downstream of the stop codon, G replaced by T.
Molecular consequence: 3 prime UTR variant. On other transcripts: intron variant (1).
Genome position (GRCh38, 1-based): chr14:74,058,151, C>A on the plus strand (G>T on the coding strand, the complement: ALDH6A1 is on the minus strand). VCF-style: chr14-74058151-C-A. GRCh37 (hg19) VCF-style: chr14-74524854-C-A.
Other names: c.*2491G>T (NM_001278593.2, NM_001278594.2); c.1578+893C>A (NM_025057.3).
Identifiers: ClinVar variation 887996 (VCV000887996.4), dbSNP rs181822532, ClinGen allele CA263533003.

ClinVar aggregate classification (germline): Likely benign (1 of 4 stars; one submission).

Conditions:
Methylmalonate semialdehyde dehydrogenase deficiency (MMSDHD). Also called: MMSDH DEFICIENCY. Identifiers: Orphanet 289307, MedGen C3279840, MONDO:0013579, OMIM 614105.

Allele frequency attached by ClinVar (database versions not stated): gnomAD 0.00029 and 0.00044; TOPMed 0.00044; 1000 Genomes Project 30x 0.00187; 1000 Genomes Project 0.00240.

Submission:

Illumina Laboratory Services, Illumina
Classification: Likely benign for Methylmalonate semialdehyde dehydrogenase deficiency. Last evaluated: 2018-01-12. Review status: criteria provided, single submitter. Criteria: ICSL Variant Classification Criteria 13 December 2019. Collection method: clinical testing. Allele origin: germline.
Comment: This variant was observed in the ICSL laboratory as part of a predisposition screen in an ostensibly healthy population. It had not been previously curated by ICSL or reported in the Human Gene Mutation Database (HGMD: prior to June 1st, 2018), and was therefore a candidate for classification through an automated scoring system. Utilizing variant allele frequency, disease prevalence and penetrance estimates, and inheritance mode, an automated score was calculated to assess if this variant is too frequent to cause the disease. Based on the score and internal cut-off values, a variant classified as likely benign is not then subjected to further curation. The score for this variant resulted in a classification of likely benign for this disease.